The following is an entry in ClinVar:

NM_012281.3(KCND2):c.1817C>T (p.Thr606Ile)

Gene: KCND2 (potassium voltage-gated channel subfamily D member 2; plus strand). Cytogenetic location: 7q31.31.
Variant type: single nucleotide variant.
Coding change: c.1817C>T on transcript NM_012281.3 (MANE Select); coding-DNA position 1817, C replaced by T.
Protein change: p.Thr606Ile; replaces threonine 606 with isoleucine.
Molecular consequence: missense variant.
Genome position (GRCh38, 1-based): chr7:120,747,782, C>T. VCF-style: chr7-120747782-C-T. GRCh37 (hg19) VCF-style: chr7-120387836-C-T.
Other names: c.1817C>T (NM_012281.2); short protein forms T606I.
Identifiers: ClinVar variation 1417806 (VCV001417806.11), dbSNP rs1306192509, ClinGen allele CA369136703.

ClinVar aggregate classification (germline): Conflicting classifications of pathogenicity. Review status: criteria provided, conflicting classifications (1 of 4 stars). 3 submissions from 3 submitters: Uncertain significance (2); Likely benign (1). Last evaluated 2026-06-01.

Conditions:
Early Myoclonic Encephalopathy. Identifiers: MedGen C0270855.
Inborn genetic diseases. Identifiers: MedGen C0950123, MeSH D030342.

Allele frequency attached by ClinVar (database versions not stated): gnomAD 0.00001; gnomAD exomes 0.00001; TOPMed 0.00002.
gnomAD v4.1: 21 of 1,612,286 alleles (0.0013%); highest among the groups gnomAD compares: Admixed American, 0.0017%; no homozygotes.

Submissions (3):

CeGaT Center for Human Genetics Tuebingen
Classification: Likely benign. Last evaluated: 2026-06-01. Review status: criteria provided, single submitter. Criteria: CeGaT Center For Human Genetics Tuebingen Variant Classification Criteria Version 2. Collection method: clinical testing. Allele origin: germline. Affected: yes. Observed: 1 variant allele.
Comment: KCND2: PP3, BS2

Ambry Genetics
Classification: Uncertain significance for Inborn genetic diseases. Last evaluated: 2025-08-01. Review status: criteria provided, single submitter. Criteria: Ambry Variant Classification Scheme 2023. Collection method: clinical testing. Allele origin: germline.

Labcorp Genetics (formerly Invitae), Labcorp
Classification: Uncertain significance for Early Myoclonic Encephalopathy. Last evaluated: 2024-04-10. Review status: criteria provided, single submitter. Criteria: Invitae Variant Classification Sherloc (09022015). Collection method: clinical testing. Allele origin: germline.
Comment: This sequence change replaces threonine, which is neutral and polar, with isoleucine, which is neutral and non-polar, at codon 606 of the KCND2 protein (p.Thr606Ile). This variant is not present in population databases (gnomAD no frequency). This variant has not been reported in the literature in individuals affected with KCND2-related conditions. ClinVar contains an entry for this variant (Variation ID: 1417806). Advanced modeling of protein sequence and biophysical properties (such as structural, functional, and spatial information, amino acid conservation, physicochemical variation, residue mobility, and thermodynamic stability) performed at Invitae indicates that this missense variant is not expected to disrupt KCND2 protein function with a negative predictive value of 95%. In summary, the available evidence is currently insufficient to determine the role of this variant in disease. Therefore, it has been classified as a Variant of Uncertain Significance.